The following is an entry in ClinVar:

ClinVar aggregate classification (germline): Pathogenic (1 of 4 stars; one submission).

Submission:

Centre for Clinical Genetics and Genomic Diagnostics, Zealand University Hospital
Classification: Pathogenic. Last evaluated: 2025-05-12. Review status: criteria provided, single submitter. Criteria: ACMG Guidelines, 2015. Collection method: clinical testing. Allele origin: germline. Affected: yes.
Comment: Compound heterozygous

NC_000013.11:g.20223040_20531805del

Genes: CRYL1 (crystallin lambda 1; minus strand), GJB6 (gap junction protein beta 6; minus strand), MIR4499 (microRNA 4499; minus strand), LOC112163647 (Sharpr-MPRA regulatory region 6807; plus strand), LOC126861704 (BRD4-independent group 4 enhancer GRCh37_chr13:20953976-20955175; plus strand) and 11 more. Cytogenetic location: 13q12.11.
Variant type: Deletion.
Identifiers: ClinVar variation 4526715 (VCV004526715.1).